The following is an entry in ClinVar:

ClinVar aggregate classification (germline): Conflicting classifications of pathogenicity. Review status: criteria provided, conflicting classifications (1 of 4 stars). 12 submissions from 11 submitters: Uncertain significance (1); Benign (2); Likely benign (6). 3 of the submissions do not count toward it. Last evaluated 2026-04-01.

Conditions:
NOD2-related disorder. Also called: NOD2-related condition.
Autoinflammatory syndrome. Identifiers: Orphanet 93665, MedGen C3890737, MONDO:0019751.
Inflammatory bowel disease 1 (IBD1). Also called: INFLAMMATORY BOWEL DISEASE (CROHN DISEASE) 1; Inflammatory bowel disease 1, Crohn disease. Identifiers: MedGen CN260071, MONDO:0009960, OMIM 266600.
Blau syndrome (BLAUS). Also called: GRANULOMATOSIS, FAMILIAL JUVENILE SYSTEMIC; GRANULOMATOSIS, FAMILIAL, BLAU TYPE; GRANULOMATOUS INFLAMMATORY ARTHRITIS, DERMATITIS, AND UVEITIS, FAMILIAL; JABS SYNDROME; ARTHROCUTANEOUVEAL GRANULOMATOSIS. Identifiers: Orphanet 90340, MedGen C5201146, MONDO:0008523, OMIM 186580.
Regional enteritis. Also called: Enteritis, Granulomatous. Identifiers: MedGen C0678202, MeSH D003424.

Allele frequency attached by ClinVar (database versions not stated): 1000 Genomes Project 0.00399; 1000 Genomes Project 30x 0.00422; ExAC 0.00426; gnomAD exomes 0.00440; gnomAD 0.00545 and 0.00557; ESP Exome Variant Server 0.00554; TOPMed 0.00584.
gnomAD v4.1: 9,361 of 1,614,044 alleles (0.58%); highest among the groups gnomAD compares: Non-Finnish European, 0.7%; 48 homozygotes.

Submissions (12):

CeGaT Center for Human Genetics Tuebingen
Classification: Likely benign. Last evaluated: 2026-04-01. Review status: criteria provided, single submitter. Criteria: CeGaT Center For Human Genetics Tuebingen Variant Classification Criteria Version 2. Collection method: clinical testing. Allele origin: germline. Affected: yes. Observed: 17 variant alleles.
Comment: NOD2: BS2

Women's Health and Genetics/Laboratory Corporation of America, LabCorp
Classification: Likely benign. Last evaluated: 2026-03-30. Review status: criteria provided, single submitter. Criteria: LabCorp Variant Classification Summary - May 2015. Collection method: clinical testing. Allele origin: germline.

Labcorp Genetics (formerly Invitae), Labcorp
Classification: Benign for Regional enteritis; Blau syndrome. Last evaluated: 2026-02-02. Review status: criteria provided, single submitter. Criteria: Invitae Variant Classification Sherloc (09022015). Collection method: clinical testing. Allele origin: germline.

ARUP Laboratories, Molecular Genetics and Genomics, ARUP Laboratories
Classification: Likely benign. Last evaluated: 2025-06-10. Review status: criteria provided, single submitter. Criteria: ARUP Molecular Germline Variant Investigation Process 2024. Collection method: clinical testing. Allele origin: germline.

Blueprint Genetics
Classification: Likely benign. Last evaluated: 2024-11-26. Review status: criteria provided, single submitter. Criteria: ACMG Guidelines, 2015. Collection method: clinical testing. Allele origin: germline.

Genome Diagnostics Laboratory, The Hospital for Sick Children
Classification: Uncertain significance for Autoinflammatory syndrome. Last evaluated: 2022-03-21. Review status: criteria provided, single submitter. Criteria: ACMG Guidelines, 2015. Collection method: clinical testing. Allele origin: germline. Affected: yes.

Illumina Laboratory Services, Illumina
Classification: Likely benign for Inflammatory bowel disease 1. Last evaluated: 2018-03-06. Review status: criteria provided, single submitter. Criteria: ICSL Variant Classification Criteria 13 December 2019. Collection method: clinical testing. Allele origin: germline.
Comment: This variant was observed in the ICSL laboratory as part of a predisposition screen in an ostensibly healthy population. It had not been previously curated by ICSL or reported in the Human Gene Mutation Database (HGMD: prior to June 1st, 2018), and was therefore a candidate for classification through an automated scoring system. Utilizing variant allele frequency, disease prevalence and penetrance estimates, and inheritance mode, an automated score was calculated to assess if this variant is too frequent to cause the disease. Based on the score and internal cut-off values, a variant classified as likely benign is not then subjected to further curation. The score for this variant resulted in a classification of likely benign for this disease.

Illumina Laboratory Services, Illumina
Classification: Benign for Blau syndrome. Last evaluated: 2018-03-06. Review status: criteria provided, single submitter. Criteria: ICSL Variant Classification Criteria 13 December 2019. Collection method: clinical testing. Allele origin: germline.
Comment: This variant was observed in the ICSL laboratory as part of a predisposition screen in an ostensibly healthy population. It had not been previously curated by ICSL or reported in the Human Gene Mutation Database (HGMD: prior to June 1st, 2018), and was therefore a candidate for classification through an automated scoring system. Utilizing variant allele frequency, disease prevalence and penetrance estimates, and inheritance mode, an automated score was calculated to assess if this variant is too frequent to cause the disease. Based on the score and internal cut-off values, a variant classified as benign is not then subjected to further curation. The score for this variant resulted in a classification of benign for this disease.

Breakthrough Genomics
Classification: Likely benign. Review status: criteria provided, single submitter. Criteria: ACMG Guidelines, 2015. Collection method: not provided. Allele origin: germline. Inheritance: Autosomal dominant inheritance. Affected: yes.

PreventionGenetics, part of Exact Sciences
Classification: Likely benign for NOD2-related condition. Last evaluated: 2020-04-14. Review status: no assertion criteria provided. Collection method: clinical testing. Allele origin: germline. Not counted in ClinVar's aggregate classification.
Comment: This variant is classified as likely benign based on ACMG/AMP sequence variant interpretation guidelines (Richards et al. 2015 PMID: 25741868, with internal and published modifications).

Clinical Genetics DNA and cytogenetics Diagnostics Lab, Erasmus MC, Erasmus Medical Center
Classification: Benign. Review status: no assertion criteria provided. Collection method: clinical testing. Allele origin: germline. Affected: yes. Study: VKGL Data-share Consensus. Not counted in ClinVar's aggregate classification.

Genome Diagnostics Laboratory, University Medical Center Utrecht
Classification: Likely benign. Review status: no assertion criteria provided. Collection method: clinical testing. Allele origin: germline. Affected: yes. Study: VKGL Data-share Consensus. Not counted in ClinVar's aggregate classification.

NM_001370466.1(NOD2):c.785A>G (p.Asn262Ser)

Gene: NOD2 (nucleotide binding oligomerization domain containing 2; plus strand). Cytogenetic location: 16q12.1.
Variant type: single nucleotide variant.
Coding change: c.785A>G on transcript NM_001370466.1 (MANE Select); coding-DNA position 785, A replaced by G.
Protein change: p.Asn262Ser; replaces asparagine 262 with serine.
Molecular consequence: missense variant. On other transcripts: non-coding transcript variant (1).
Genome position (GRCh38, 1-based): chr16:50,710,777, A>G. VCF-style: chr16-50710777-A-G. GRCh37 (hg19) VCF-style: chr16-50744688-A-G.
Other names: c.785A>G, p.Asn262Ser (NM_001293557.2); c.866A>G, p.Asn289Ser (NM_022162.3); c.866A>G (LRG_177t1); short protein forms N289S, N262S.
Identifiers: ClinVar variation 319440 (VCV000319440.61), dbSNP rs5743271, ClinGen allele CA8051413.